The following is an entry in ClinVar:

ClinVar aggregate classification (germline): Uncertain significance (1 of 4 stars; one submission).

Allele frequency attached by ClinVar (database versions not stated): ExAC 0.00001.
gnomAD v4.1: 1 of 1,614,222 alleles (0.000062%); highest among the groups gnomAD compares: South Asian, 0.0011%; no homozygotes.

Submission:

Labcorp Genetics (formerly Invitae), Labcorp
Classification: Uncertain significance. Last evaluated: 2022-11-17. Review status: criteria provided, single submitter. Criteria: Invitae Variant Classification Sherloc (09022015). Collection method: clinical testing. Allele origin: germline.
Comment: In summary, the available evidence is currently insufficient to determine the role of this variant in disease. Therefore, it has been classified as a Variant of Uncertain Significance. Algorithms developed to predict the effect of missense changes on protein structure and function output the following: SIFT: "Tolerated"; PolyPhen-2: "Benign"; Align-GVGD: "Class C0". The aspartic acid amino acid residue is found in multiple mammalian species, which suggests that this missense change does not adversely affect protein function. This variant has not been reported in the literature in individuals affected with ANKZF1-related conditions. This variant is present in population databases (rs752324972, gnomAD 0.003%). This sequence change replaces glutamic acid, which is acidic and polar, with aspartic acid, which is acidic and polar, at codon 138 of the ANKZF1 protein (p.Glu138Asp).

NM_018089.3(ANKZF1):c.414G>C (p.Glu138Asp)

Gene: ANKZF1 (ankyrin repeat and zinc finger peptidyl tRNA hydrolase 1; plus strand). Cytogenetic location: 2q35.
Variant type: single nucleotide variant.
Coding change: c.414G>C on transcript NM_018089.3 (MANE Select); coding-DNA position 414, G replaced by C.
Protein change: p.Glu138Asp; replaces glutamic acid 138 with aspartic acid.
Molecular consequence: missense variant. On other transcripts: 5 prime UTR variant (1).
Genome position (GRCh38, 1-based): chr2:219,232,539, G>C. VCF-style: chr2-219232539-G-C. GRCh37 (hg19) VCF-style: chr2-220097261-G-C.
Other names: c.-217G>C (NM_001282792.2); c.414G>C, p.Glu138Asp (NM_001042410.2); short protein forms E138D.
Identifiers: ClinVar variation 1716513 (VCV001716513.5), dbSNP rs752324972, ClinGen allele CA2120749.
Genomic context (GRCh38, chr2:219,232,539, plus strand): 5'-TCTGTCTTCAGGAGATCTTTCCAGCATCTCGGGATCAGAAGACTCAGACTCAGCCAGTGA[G>C]GAGGACTTGCAGACACTGGATCGGGAGAGGGCTACATTTGAGAAGTTGAGCCGACCCCCA-3'
Protein context (NP_060559.2, residues 128-148): SGSEDSDSAS[Glu138Asp]EDLQTLDRER